The following is an entry in ClinVar:

NM_000091.5(COL4A3):c.2966C>A (p.Pro989Gln)

Genes: COL4A3 (collagen type IV alpha 3 chain; plus strand), MFF-DT (MFF divergent transcript; minus strand). Cytogenetic location: 2q36.3.
Variant type: single nucleotide variant.
Coding change: c.2966C>A on transcript NM_000091.5 (MANE Select); coding-DNA position 2966, C replaced by A.
Protein change: p.Pro989Gln; replaces proline 989 with glutamine.
Molecular consequence: missense variant.
Genome position (GRCh38, 1-based): chr2:227,289,234, C>A. VCF-style: chr2-227289234-C-A. GRCh37 (hg19) VCF-style: chr2-228153950-C-A.
Other names: short protein forms P989Q.
Identifiers: ClinVar variation 1965067 (VCV001965067.5), dbSNP rs748243984, ClinGen allele CA350854495.

ClinVar aggregate classification (germline): Uncertain significance (1 of 4 stars; one submission).

Allele frequency attached by ClinVar (database versions not stated): TOPMed below 0.00001.
gnomAD v4.1: 3 of 1,613,394 alleles (0.00019%); highest among the groups gnomAD compares: Non-Finnish European, 0.00025%; no homozygotes.

Submission:

Labcorp Genetics (formerly Invitae), Labcorp
Classification: Uncertain significance. Last evaluated: 2022-09-23. Review status: criteria provided, single submitter. Criteria: Invitae Variant Classification Sherloc (09022015). Collection method: clinical testing. Allele origin: germline.
Comment: In summary, the available evidence is currently insufficient to determine the role of this variant in disease. Therefore, it has been classified as a Variant of Uncertain Significance. Advanced modeling of protein sequence and biophysical properties (such as structural, functional, and spatial information, amino acid conservation, physicochemical variation, residue mobility, and thermodynamic stability) performed at Invitae indicates that this missense variant is not expected to disrupt COL4A3 protein function. This variant has not been reported in the literature in individuals affected with COL4A3-related conditions. This variant is not present in population databases (gnomAD no frequency). This sequence change replaces proline, which is neutral and non-polar, with glutamine, which is neutral and polar, at codon 989 of the COL4A3 protein (p.Pro989Gln).